The following is an entry in ClinVar:

ClinVar aggregate classification (germline): Benign (0 of 4 stars; one submission).

Conditions:
PPRC1-related disorder. Also called: PPRC1-related condition.

Allele frequency attached by ClinVar (database versions not stated): gnomAD exomes 0.05425; ExAC 0.06262; 1000 Genomes Project 0.07708; 1000 Genomes Project 30x 0.07948; gnomAD 0.09009; TOPMed 0.09115; ESP Exome Variant Server 0.09657.
gnomAD v4.1: 93,772 of 1,613,884 alleles (5.8%); highest among the groups gnomAD compares: African/African-American, 18%; 3,610 homozygotes.

Submission:

PreventionGenetics, part of Exact Sciences
Classification: Benign for PPRC1-related condition. Last evaluated: 2019-11-05. Review status: no assertion criteria provided. Collection method: clinical testing. Allele origin: germline.
Comment: This variant is classified as benign based on ACMG/AMP sequence variant interpretation guidelines (Richards et al. 2015 PMID: 25741868, with internal and published modifications).

NM_015062.5(PPRC1):c.2464G>A (p.Val822Ile)

Gene: PPRC1 (PPARG related coactivator 1; plus strand). Cytogenetic location: 10q24.32.
Variant type: single nucleotide variant.
Coding change: c.2464G>A on transcript NM_015062.5 (MANE Select); coding-DNA position 2464, G replaced by A.
Protein change: p.Val822Ile; replaces valine 822 with isoleucine.
Molecular consequence: missense variant.
Genome position (GRCh38, 1-based): chr10:102,140,972, G>A. VCF-style: chr10-102140972-G-A. GRCh37 (hg19) VCF-style: chr10-103900729-G-A.
Other names: c.2464G>A, p.Val822Ile (NM_001288727.2); c.2104G>A, p.Val702Ile (NM_001288728.2); short protein forms V702I, V822I.
Identifiers: ClinVar variation 3056952 (VCV003056952.2), dbSNP rs61731871, ClinGen allele CA5661022.